The following is an entry in ClinVar:

NM_001287491.2(TET3):c.5030C>T (p.Pro1677Leu)

Gene: TET3 (tet methylcytosine dioxygenase 3; plus strand). Cytogenetic location: 2p13.1.
Variant type: single nucleotide variant.
Coding change: c.5030C>T on transcript NM_001287491.2 (MANE Select); coding-DNA position 5030, C replaced by T.
Protein change: p.Pro1677Leu; replaces proline 1677 with leucine.
Molecular consequence: missense variant.
Genome position (GRCh38, 1-based): chr2:74,101,818, C>T. VCF-style: chr2-74101818-C-T. GRCh37 (hg19) VCF-style: chr2-74328945-C-T.
Other names: c.4751C>T, p.Pro1584Leu (NM_001366022.1); short protein forms P1584L, P1677L.
Identifiers: ClinVar variation 979030 (VCV000979030.32), dbSNP rs1691236972, ClinGen allele CA347323625.

ClinVar aggregate classification (germline): Conflicting classifications of pathogenicity. Review status: criteria provided, conflicting classifications (1 of 4 stars). 5 submissions from 5 submitters: Likely pathogenic (2); Uncertain significance (1). 2 of the submissions do not count toward it. Last evaluated 2024-04-01.

Conditions:
TET3-related disorder. Also called: TET3-Related Disease; TET3-related condition.
Beck-Fahrner syndrome (BEFAHRS). Identifiers: Orphanet 684216, MedGen C5394097, MONDO:0032922, OMIM 618798.
TET3 deficiency.

Allele frequency attached by ClinVar (database versions not stated): gnomAD exomes below 0.00001; gnomAD 0.00001; TOPMed 0.00001.
gnomAD v4.1: 4 of 1,612,908 alleles (0.00025%); highest among the groups gnomAD compares: South Asian, 0.0011%; no homozygotes.

Submissions (5):

CeGaT Center for Human Genetics Tuebingen
Classification: Likely pathogenic. Last evaluated: 2024-04-01. Review status: criteria provided, single submitter. Criteria: CeGaT Center For Human Genetics Tuebingen Variant Classification Criteria Version 2. Collection method: clinical testing. Allele origin: germline. Affected: yes. Observed: 4 variant alleles.
Comment: TET3: PM2, PS2:Moderate, PS4:Moderate

Blueprint Genetics
Classification: Likely pathogenic for TET3-related disorders. Last evaluated: 2023-05-10. Review status: criteria provided, single submitter. Criteria: ACMG Guidelines, 2015. Collection method: clinical testing. Allele origin: de novo. Affected: yes. Observed: 2 variant alleles.

Laboratoire Génétique Moléculaire, CHRU TOURS
Classification: Uncertain significance for Beck-Fahrner syndrome. Last evaluated: 2023-01-17. Review status: criteria provided, single submitter. Criteria: ACMG Guidelines, 2015. Collection method: clinical testing. Allele origin: paternal.
Comment: PM2;PP2;PP3;PP5

Clinical Genetics Laboratory, University Hospital Schleswig-Holstein
Classification: Likely pathogenic for Beck-Fahrner syndrome. Last evaluated: 2022-06-02. Review status: no assertion criteria provided. Collection method: clinical testing. Allele origin: germline. Affected: yes. Not counted in ClinVar's aggregate classification.

University of Washington Center for Mendelian Genomics, University of Washington
Classification: Likely pathogenic for TET3 deficiency. Review status: no assertion criteria provided. Collection method: research. Allele origin: de novo. Affected: yes. Not counted in ClinVar's aggregate classification.

Literature cited by the submitters: PubMed 31928709 (cited by University of Washington Center for Mendelian Genomics, University of Washington).